The following is an entry in ClinVar:

ClinVar aggregate classification (germline): Uncertain significance (1 of 4 stars; one submission).

Submission:

Labcorp Genetics (formerly Invitae), Labcorp
Classification: Uncertain significance. Last evaluated: 2024-10-26. Review status: criteria provided, single submitter. Criteria: Invitae Variant Classification Sherloc (09022015). Collection method: clinical testing. Allele origin: germline.
Comment: This sequence change replaces leucine, which is neutral and non-polar, with phenylalanine, which is neutral and non-polar, at codon 224 of the EDNRB protein (p.Leu224Phe). This variant is not present in population databases (gnomAD no frequency). This variant has not been reported in the literature in individuals affected with EDNRB-related conditions. Invitae Evidence Modeling of protein sequence and biophysical properties (such as structural, functional, and spatial information, amino acid conservation, physicochemical variation, residue mobility, and thermodynamic stability) indicates that this missense variant is not expected to disrupt EDNRB protein function with a negative predictive value of 80%. In summary, the available evidence is currently insufficient to determine the role of this variant in disease. Therefore, it has been classified as a Variant of Uncertain Significance.

NM_001122659.3(EDNRB):c.672G>T (p.Leu224Phe)

Genes: EDNRB (endothelin receptor type B; minus strand), EDNRB-AS1 (EDNRB antisense RNA 1; plus strand). Cytogenetic location: 13q22.3.
Variant type: single nucleotide variant.
Coding change: c.672G>T on transcript NM_001122659.3 (MANE Select); coding-DNA position 672, G replaced by T.
Protein change: p.Leu224Phe; replaces leucine 224 with phenylalanine.
Molecular consequence: missense variant.
Genome position (GRCh38, 1-based): chr13:77,903,285, C>A on the plus strand (G>T on the coding strand, the complement: EDNRB is on the minus strand). VCF-style: chr13-77903285-C-A. GRCh37 (hg19) VCF-style: chr13-78477420-C-A.
Other names: c.672G>T, p.Leu224Phe (NM_000115.5, NM_003991.4); c.942G>T, p.Leu314Phe (NM_001201397.2); short protein forms L314F, L224F.
Identifiers: ClinVar variation 3671204 (VCV003671204.2).
Genomic context (GRCh38, chr13:77,903,285, plus strand): 5'-CGTAATTATATCAAAACCTATGGCTTCAGGGACAGCCAGAACCACAGAGACCACCCAAAT[C>A]AAAACAATTTCTACTGCTGTCCATTTTGGAACCCCAATTCCTTTAATTCTACTCCAAGAA-3'
Protein context (NP_001116131.1, residues 214-234): VPKWTAVEIV[Leu224Phe]IWVVSVVLAV